The following is an entry in ClinVar:

NM_000228.3(LAMB3):c.349C>T (p.Gln117Ter)

Gene: LAMB3 (laminin subunit beta 3; minus strand). Cytogenetic location: 1q32.2.
Variant type: single nucleotide variant.
Coding change: c.349C>T on transcript NM_000228.3 (MANE Select); coding-DNA position 349, C replaced by T.
Protein change: p.Gln117Ter; replaces glutamine 117 with a stop codon.
Molecular consequence: nonsense.
Genome position (GRCh38, 1-based): chr1:209,637,931, G>A on the plus strand (C>T on the coding strand, the complement: LAMB3 is on the minus strand). VCF-style: chr1-209637931-G-A. GRCh37 (hg19) VCF-style: chr1-209811276-G-A.
Other names: c.349C>T, p.Gln117Ter (NM_001017402.2, NM_001127641.1); short protein forms Q117*.
Identifiers: ClinVar variation 1397395 (VCV001397395.7), dbSNP rs2102444886, ClinGen allele CA344597230.
Genomic context (GRCh38, chr1:209,637,931, plus strand): 5'-CCCCTCTCCTATCCACTGCCACCCCCAGGAGGCACACCTGGAACTCCATCATGACTTCTT[G>A]AAGCTGGAATCTCCTGTCCAGGTCCAGCTGCAGAGAGACAGGGTTCACATCTGGAAGGAC-3'

ClinVar aggregate classification (germline): Pathogenic/Likely pathogenic. Review status: criteria provided, multiple submitters, no conflicts (2 of 4 stars). 2 submissions from 2 submitters: Pathogenic (1); Likely pathogenic (1). Last evaluated 2021-11-18.

Conditions:
LAMB3-related disorder. Also called: LAMB3-related condition.

Submissions (2):

Labcorp Genetics (formerly Invitae), Labcorp
Classification: Pathogenic. Last evaluated: 2021-11-18. Review status: criteria provided, single submitter. Criteria: Invitae Variant Classification Sherloc (09022015). Collection method: clinical testing. Allele origin: germline.
Comment: This variant is not present in population databases (gnomAD no frequency). For these reasons, this variant has been classified as Pathogenic. This variant has not been reported in the literature in individuals affected with LAMB3-related conditions. This sequence change creates a premature translational stop signal (p.Gln117*) in the LAMB3 gene. It is expected to result in an absent or disrupted protein product. Loss-of-function variants in LAMB3 are known to be pathogenic (PMID: 11023379, 16473856).

Blueprint Genetics
Classification: Likely pathogenic for LAMB3-related disorders. Last evaluated: 2018-08-01. Review status: criteria provided, single submitter. Criteria: ACMG Guidelines, 2015. Collection method: clinical testing. Allele origin: germline. Affected: yes. Observed: 1 variant allele.

Literature cited by the submitters: PubMed 11023379 (cited by Labcorp Genetics (formerly Invitae), Labcorp); PubMed 16473856 (cited by Labcorp Genetics (formerly Invitae), Labcorp).